The following is an entry in ClinVar:

NM_004638.4(PRRC2A):c.858G>C (p.Ala286=)

Gene: PRRC2A (proline rich coiled-coil 2A; plus strand). Cytogenetic location: 6p21.33.
Variant type: single nucleotide variant.
Coding change: c.858G>C on transcript NM_004638.4 (MANE Select); coding-DNA position 858, G replaced by C.
Protein change: p.Ala286=; no amino-acid change (alanine 286 retained).
Molecular consequence: synonymous variant.
Genome position (GRCh38, 1-based): chr6:31,626,038, G>C. VCF-style: chr6-31626038-G-C. GRCh37 (hg19) VCF-style: chr6-31593815-G-C.
Other names: c.858G>C, p.Ala286= (NM_080686.3).
Identifiers: ClinVar variation 3053072 (VCV003053072.2), dbSNP rs147717718, ClinGen allele CA3715235.
Genomic context (GRCh38, chr6:31,626,038, plus strand): 5'-GTTATACAACATGCCATATTTCATTTTCTTTTTTGTGTACAGCCGTTTTCCCCGTGTGGC[G>C]GGCCCCCGAGGCTCAGGGCCACCAATGCGCTTAGTAGAGCCTGTGGGTCGTCCCTCTATT-3'
Protein context (NP_004629.3, residues 276-296): PDGPSRFPRV[Ala286=]GPRGSGPPMR

ClinVar aggregate classification (germline): Likely benign (0 of 4 stars; one submission).

Conditions:
PRRC2A-related disorder. Also called: PRRC2A-related condition.

Allele frequency attached by ClinVar (database versions not stated): 1000 Genomes Project 30x 0.00016; 1000 Genomes Project 0.00020; ESP Exome Variant Server 0.00071.
gnomAD v4.1: 2,034 of 1,605,592 alleles (0.13%); highest among the groups gnomAD compares: Non-Finnish European, 0.16%; 4 homozygotes.

Submission:

PreventionGenetics, part of Exact Sciences
Classification: Likely benign for PRRC2A-related condition. Last evaluated: 2019-10-28. Review status: no assertion criteria provided. Collection method: clinical testing. Allele origin: germline.
Comment: This variant is classified as likely benign based on ACMG/AMP sequence variant interpretation guidelines (Richards et al. 2015 PMID: 25741868, with internal and published modifications).